The following is an entry in ClinVar:

NM_000417.3(IL2RA):c.649A>G (p.Thr217Ala)

Gene: IL2RA (interleukin 2 receptor subunit alpha; minus strand). Cytogenetic location: 10p15.1.
Variant type: single nucleotide variant.
Coding change: c.649A>G on transcript NM_000417.3 (MANE Select); coding-DNA position 649, A replaced by G.
Protein change: p.Thr217Ala; replaces threonine 217 with alanine.
Molecular consequence: missense variant. On other transcripts: intron variant (1).
Genome position (GRCh38, 1-based): chr10:6,019,876, T>C on the plus strand (A>G on the coding strand, the complement: IL2RA is on the minus strand). VCF-style: chr10-6019876-T-C. GRCh37 (hg19) VCF-style: chr10-6061839-T-C.
Other names: c.433A>G, p.Thr145Ala (NM_001308242.2); c.368-377A>G (NM_001308243.2); c.649A>G (NM_000417.2); short protein forms T145A, T217A.
Identifiers: ClinVar variation 1374347 (VCV001374347.7), dbSNP rs757389911, ClinGen allele CA5397380.
Genomic context (GRCh38, chr10:6,019,876, plus strand): 5'-CCTCTGCCCTTTTGGACTAGGCCTCTGTGGTCCAGCGTTTGTCTTCTCCCGCACCTGTTG[T>C]TGTGACGAGGCAGGAAGTCTCACTCTCAGGACGGCCTTCGGGGCTTGCCTGAGGCTTCTC-3'
Protein context (NP_000408.1, residues 207-227): PESETSCLVT[Thr217Ala]TDFQIQTEMA

ClinVar aggregate classification (germline): Uncertain significance. Review status: criteria provided, multiple submitters, no conflicts (2 of 4 stars). 2 submissions from 2 submitters: Uncertain significance (2). Last evaluated 2025-12-06.

Conditions:
Immunodeficiency due to CD25 deficiency. Also called: IL2RA DEFICIENCY; IMMUNODEFICIENCY 41 WITH LYMPHOPROLIFERATION AND AUTOIMMUNITY; CD25 DEFICIENCY. Identifiers: Orphanet 169100, MedGen C1853392, MONDO:0011664, OMIM 606367.

Allele frequency attached by ClinVar (database versions not stated): TOPMed below 0.00001; gnomAD 0.00001; gnomAD exomes 0.00001 and 0.00002; ExAC 0.00002.
gnomAD v4.1: 15 of 1,613,980 alleles (0.00093%); highest among the groups gnomAD compares: Admixed American, 0.0017%; no homozygotes.

Submissions (2):

Labcorp Genetics (formerly Invitae), Labcorp
Classification: Uncertain significance for Immunodeficiency due to CD25 deficiency. Last evaluated: 2025-12-06. Review status: criteria provided, single submitter. Criteria: Invitae Variant Classification Sherloc (09022015). Collection method: clinical testing. Allele origin: germline.
Comment: This sequence change replaces threonine, which is neutral and polar, with alanine, which is neutral and non-polar, at codon 217 of the IL2RA protein (p.Thr217Ala). This variant is present in population databases (rs757389911, gnomAD 0.003%). This variant has not been reported in the literature in individuals affected with IL2RA-related conditions. ClinVar contains an entry for this variant (Variation ID: 1374347). Invitae Evidence Modeling of protein sequence and biophysical properties (such as structural, functional, and spatial information, amino acid conservation, physicochemical variation, residue mobility, and thermodynamic stability) indicates that this missense variant is not expected to disrupt IL2RA protein function with a negative predictive value of 80%. In summary, the available evidence is currently insufficient to determine the role of this variant in disease. Therefore, it has been classified as a Variant of Uncertain Significance.

Ambry Genetics
Classification: Uncertain significance. Last evaluated: 2023-05-18. Review status: criteria provided, single submitter. Criteria: Ambry Variant Classification Scheme 2023. Collection method: clinical testing. Allele origin: germline.